The following is an entry in ClinVar:

ClinVar aggregate classification (germline): Uncertain significance. Review status: criteria provided, multiple submitters, no conflicts (2 of 4 stars). 5 submissions from 5 submitters: Uncertain significance (4). 1 of the submissions does not count toward it. Last evaluated 2025-11-19.

Conditions:
Dyskeratosis congenita. Identifiers: Orphanet 1775, MedGen C0265965, MONDO:0015780.
Idiopathic Pulmonary Fibrosis. Also called: Idiopathic fibrosing alveolitis, chronic form; idiopathic fibrosing alveolitis. Identifiers: Orphanet 2032, MedGen C1800706, MeSH D054990, MONDO:0800504.
Dyskeratosis congenita, autosomal dominant 2. Identifiers: MedGen C3151443, MONDO:0013521, OMIM 613989.
TERT-related disorder. Also called: TERT-related disorders; TERT-related condition.

Allele frequency attached by ClinVar (database versions not stated): gnomAD exomes 0.00004 and 0.00005; ExAC 0.00006; TOPMed 0.00007; ESP Exome Variant Server 0.00008; gnomAD 0.00022 and 0.00024.
gnomAD v4.1: 93 of 1,552,158 alleles (0.006%); highest among the groups gnomAD compares: African/African-American, 0.0068%; no homozygotes.

Submissions (5):

Labcorp Genetics (formerly Invitae), Labcorp
Classification: Uncertain significance for Dyskeratosis congenita, autosomal dominant 2; Idiopathic Pulmonary Fibrosis. Last evaluated: 2025-11-19. Review status: criteria provided, single submitter. Criteria: Invitae Variant Classification Sherloc (09022015). Collection method: clinical testing. Allele origin: germline.
Comment: This sequence change replaces arginine, which is basic and polar, with cysteine, which is neutral and slightly polar, at codon 672 of the TERT protein (p.Arg672Cys). This variant is present in population databases (rs368430301, gnomAD 0.05%). This missense change has been observed in individual(s) with clinical features of dyskeratosis congenita (PMID: 26136524, 30426156). ClinVar contains an entry for this variant (Variation ID: 471846). Invitae Evidence Modeling of protein sequence and biophysical properties (such as structural, functional, and spatial information, amino acid conservation, physicochemical variation, residue mobility, and thermodynamic stability) indicates that this missense variant is expected to disrupt TERT protein function with a positive predictive value of 95%. In summary, the available evidence is currently insufficient to determine the role of this variant in disease. Therefore, it has been classified as a Variant of Uncertain Significance.

GeneDx
Classification: Uncertain significance. Last evaluated: 2025-02-07. Review status: criteria provided, single submitter. Criteria: GeneDx Variant Classification Process June 2021. Collection method: clinical testing. Allele origin: germline. Affected: yes.
Comment: In silico analysis supports that this missense variant has a deleterious effect on protein structure/function; Observed in individuals with bone marrow failure and/or MDS or leukemia, at least one of whom had no features of dyskeratosis congenita on thorough examination (PMID: 26136524, 30426156, 31839986, 35106810); This variant is associated with the following publications: (PMID: 26136524, 30426156, 35106810, 31839986)

Ambry Genetics
Classification: Uncertain significance for Dyskeratosis congenita. Last evaluated: 2024-12-30. Review status: criteria provided, single submitter. Criteria: Ambry Variant Classification Scheme 2023. Collection method: clinical testing. Allele origin: germline.
Comment: The p.R672C variant (also known as c.2014C>T), located in coding exon 5 of the TERT gene, results from a C to T substitution at nucleotide position 2014. The arginine at codon 672 is replaced by cysteine, an amino acid with highly dissimilar properties. This amino acid position is not well conserved in available vertebrate species. In addition, the in silico prediction for this alteration is inconclusive. The evidence for this gene-disease relationship is limited; therefore, the clinical significance of this alteration is unclear.

Blueprint Genetics
Classification: Uncertain significance. Last evaluated: 2024-03-11. Review status: criteria provided, single submitter. Criteria: ACMG Guidelines, 2015. Collection method: clinical testing. Allele origin: germline.

PreventionGenetics, part of Exact Sciences
Classification: Uncertain significance for TERT-related condition. Last evaluated: 2024-01-25. Review status: no assertion criteria provided. Collection method: clinical testing. Allele origin: germline. Not counted in ClinVar's aggregate classification.
Comment: The TERT c.2014C>T variant is predicted to result in the amino acid substitution p.Arg672Cys. This variant has been reported in the heterozygous state in three individuals with features of dyskeratosis congenita (Ghemlas et al. 2015. PubMed ID: 26136524, suppl materials; Akram et al. 2018. PubMed ID: 30426156). This variant is reported in 0.048% of alleles in individuals of European (Non-Finnish) descent in gnomAD. At this time, the clinical significance of this variant is uncertain due to the absence of conclusive functional and genetic evidence.

Literature cited by the submitters: PubMed 26136524 (cited by Labcorp Genetics (formerly Invitae), Labcorp); PubMed 30426156 (cited by Labcorp Genetics (formerly Invitae), Labcorp).

NM_198253.3(TERT):c.2014C>T (p.Arg672Cys)

Gene: TERT (telomerase reverse transcriptase; minus strand). Cytogenetic location: 5p15.33.
Variant type: single nucleotide variant.
Coding change: c.2014C>T on transcript NM_198253.3 (MANE Select); coding-DNA position 2014, C replaced by T.
Protein change: p.Arg672Cys; replaces arginine 672 with cysteine.
Molecular consequence: missense variant. On other transcripts: non-coding transcript variant (2).
Genome position (GRCh38, 1-based): chr5:1,279,407, G>A on the plus strand (C>T on the coding strand, the complement: TERT is on the minus strand). VCF-style: chr5-1279407-G-A. GRCh37 (hg19) VCF-style: chr5-1279522-G-A.
Other names: c.2014C>T, p.Arg672Cys (NM_001193376.3); short protein forms R672C.
Identifiers: ClinVar variation 471846 (VCV000471846.14), dbSNP rs368430301, ClinGen allele CA3184686.